The following is an entry in ClinVar:

ClinVar aggregate classification (germline): Uncertain significance (1 of 4 stars; one submission).

Conditions:
Hereditary cancer-predisposing syndrome. Also called: Neoplastic Syndromes, Hereditary; Tumor predisposition; Hereditary Cancer Syndrome; Hereditary neoplastic syndrome. Identifiers: Orphanet 140162, MedGen C0027672, MeSH D009386, MONDO:0015356.

Submission:

Ambry Genetics
Classification: Uncertain significance for Hereditary cancer-predisposing syndrome. Last evaluated: 2019-06-28. Review status: criteria provided, single submitter. Criteria: Ambry Variant Classification Scheme 2023. Collection method: clinical testing. Allele origin: germline.
Comment: The p.Y1256F variant (also known as c.3767A>T), located in coding exon 8 of the MSH6 gene, results from an A to T substitution at nucleotide position 3767. The tyrosine at codon 1256 is replaced by phenylalanine, an amino acid with highly similar properties. This amino acid position is well conserved in available vertebrate species. In addition, the in silico prediction for this alteration is inconclusive. Since supporting evidence is limited at this time, the clinical significance of this alteration remains unclear.

NM_000179.3(MSH6):c.3767A>T (p.Tyr1256Phe)

Gene: MSH6 (mutS homolog 6; plus strand). Cytogenetic location: 2p16.3.
Variant type: single nucleotide variant.
Coding change: c.3767A>T on transcript NM_000179.3 (MANE Select); coding-DNA position 3767, A replaced by T.
Protein change: p.Tyr1256Phe; replaces tyrosine 1256 with phenylalanine.
Molecular consequence: missense variant.
Genome position (GRCh38, 1-based): chr2:47,806,324, A>T. VCF-style: chr2-47806324-A-T. GRCh37 (hg19) VCF-style: chr2-48033463-A-T.
Other names: c.2861A>T, p.Tyr954Phe (NM_001281494.2, NM_001406814.1, NM_001406815.1 and 6 more transcripts); c.3863A>T, p.Tyr1288Phe (NM_001406795.1, NM_001406802.1); c.3767A>T, p.Tyr1256Phe (NM_001406796.1, NM_001406800.1, NM_001406808.1 and 1 more transcripts); c.3470A>T, p.Tyr1157Phe (NM_001406797.1, NM_001406801.1, NM_001406818.1 and 10 more transcripts); c.3593A>T, p.Tyr1198Phe (NM_001406798.1); c.3242A>T, p.Tyr1081Phe (NM_001406799.1, NM_001406806.1, NM_001406807.1); c.2201A>T, p.Tyr734Phe (NM_001406817.1); c.1712A>T, p.Tyr571Phe (NM_001407362.1); and 7 more; short protein forms Y1081F, Y1157F, Y1258F, Y1288F, Y183F, Y1200F, Y571F, Y1126F.
Identifiers: ClinVar variation 1734724 (VCV001734724.2), dbSNP rs761643896, ClinGen allele CA346761119.